The following is an entry in ClinVar:

NM_017802.4(DNAAF5):c.2555C>T (p.Pro852Leu)

Gene: DNAAF5 (dynein axonemal assembly factor 5; plus strand). Cytogenetic location: 7p22.3.
Variant type: single nucleotide variant.
Coding change: c.2555C>T on transcript NM_017802.4 (MANE Select); coding-DNA position 2555, C replaced by T.
Protein change: p.Pro852Leu; replaces proline 852 with leucine.
Molecular consequence: missense variant. On other transcripts: non-coding transcript variant (1).
Genome position (GRCh38, 1-based): chr7:785,640, C>T. VCF-style: chr7-785640-C-T. GRCh37 (hg19) VCF-style: chr7-825277-C-T.
Other names: short protein forms P852L.
Identifiers: ClinVar variation 1793005 (VCV001793005.2), dbSNP rs1301630382, ClinGen allele CA366528599.

ClinVar aggregate classification (germline): Uncertain significance (1 of 4 stars; one submission).

Conditions:
Primary ciliary dyskinesia. Also called: Ciliary dyskinesia. Identifiers: Orphanet 244, MedGen C0008780, MONDO:0016575, HP:0012265.

Allele frequency attached by ClinVar (database versions not stated): gnomAD exomes below 0.00001; TOPMed below 0.00001; gnomAD 0.00001.
gnomAD v4.1: 2 of 1,612,840 alleles (0.00012%); no homozygotes.

Submission:

Ambry Genetics
Classification: Uncertain significance for Primary ciliary dyskinesia. Last evaluated: 2021-09-14. Review status: criteria provided, single submitter. Criteria: Ambry Variant Classification Scheme 2023. Collection method: clinical testing. Allele origin: germline.
Comment: The p.P852L variant (also known as c.2555C>T), located in coding exon 13 of the DNAAF5 gene, results from a C to T substitution at nucleotide position 2555. The proline at codon 852 is replaced by leucine, an amino acid with similar properties. This amino acid position is conserved. In addition, this alteration is predicted to be tolerated by in silico analysis. Since supporting evidence is limited at this time, the clinical significance of this alteration remains unclear.